The following is an entry in ClinVar:

NM_174934.4(SCN4B):c.433G>A (p.Ala145Thr)

Genes: SCN4B (sodium voltage-gated channel beta subunit 4; minus strand), LOC126861356 (BRD4-independent group 4 enhancer GRCh37_chr11:118014519-118015718; plus strand). Cytogenetic location: 11q23.3.
Variant type: single nucleotide variant.
Coding change: c.433G>A on transcript NM_174934.4 (MANE Select); coding-DNA position 433, G replaced by A.
Protein change: p.Ala145Thr; replaces alanine 145 with threonine.
Molecular consequence: missense variant. On other transcripts: intron variant (1).
Genome position (GRCh38, 1-based): chr11:118,143,863, C>T on the plus strand (G>A on the coding strand, the complement: SCN4B is on the minus strand). VCF-style: chr11-118143863-C-T. GRCh37 (hg19) VCF-style: chr11-118014578-C-T.
Other names: c.103G>A, p.Ala35Thr (NM_001142349.2); c.62-2527G>A (NM_001142348.2); short protein forms A145T, A35T.
Identifiers: ClinVar variation 1700892 (VCV001700892.6), dbSNP rs771504011, ClinGen allele CA6300215.

ClinVar aggregate classification (germline): Uncertain significance. Review status: criteria provided, multiple submitters, no conflicts (2 of 4 stars). 3 submissions from 3 submitters: Uncertain significance (3). Last evaluated 2025-03-31.

Conditions:
Cardiovascular phenotype. Identifiers: MedGen CN230736.
SCN4B-related disorder. Also called: SCN4B-related condition.

Allele frequency attached by ClinVar (database versions not stated): ExAC 0.00001; gnomAD 0.00001; gnomAD exomes 0.00001; TOPMed 0.00001.

Submissions (3):

PreventionGenetics, part of Exact Sciences
Classification: Uncertain significance for SCN4B-related condition. Last evaluated: 2025-03-31. Review status: criteria provided, single submitter. Criteria: ACMG Guidelines, 2015. Collection method: clinical testing. Allele origin: germline.
Comment: The SCN4B c.433G>A variant is predicted to result in the amino acid substitution p.Ala145Thr. To our knowledge, this variant has not been reported in the literature or in a large population database (gnomAD), indicating this variant is rare. At this time, the clinical significance of this variant is uncertain due to the absence of conclusive functional and genetic evidence.

Ambry Genetics
Classification: Uncertain significance for Cardiovascular phenotype. Last evaluated: 2024-12-30. Review status: criteria provided, single submitter. Criteria: Ambry Variant Classification Scheme 2023. Collection method: clinical testing. Allele origin: germline.

GeneDx
Classification: Uncertain significance. Last evaluated: 2022-02-14. Review status: criteria provided, single submitter. Criteria: GeneDx Variant Classification Process June 2021. Collection method: clinical testing. Allele origin: germline. Affected: yes.
Comment: Has not been previously published as pathogenic or benign to our knowledge; Not observed at significant frequency in large population cohorts (gnomAD); In silico analysis supports that this missense variant has a deleterious effect on protein structure/function